The following is an entry in ClinVar:

ClinVar aggregate classification (germline): Uncertain significance (1 of 4 stars; one submission).

Conditions:
Infantile neuroaxonal dystrophy (NBIA2A). Also called: NEURODEGENERATION WITH BRAIN IRON ACCUMULATION 2A; SEITELBERGER DISEASE; Infantile neuroaxonal dystrophy 1. Identifiers: Orphanet 35069, MedGen C0270724, MONDO:0024457, OMIM 256600.

gnomAD v4.1: 7 of 1,614,072 alleles (0.00043%); highest among the groups gnomAD compares: South Asian, 0.0066%; no homozygotes.

Submission:

Labcorp Genetics (formerly Invitae), Labcorp
Classification: Uncertain significance for Infantile neuroaxonal dystrophy. Last evaluated: 2024-05-15. Review status: criteria provided, single submitter. Criteria: Invitae Variant Classification Sherloc (09022015). Collection method: clinical testing. Allele origin: germline.
Comment: This sequence change replaces isoleucine, which is neutral and non-polar, with threonine, which is neutral and polar, at codon 402 of the PLA2G6 protein (p.Ile402Thr). This variant is present in population databases (rs764199136, gnomAD 0.003%). This variant has not been reported in the literature in individuals affected with PLA2G6-related conditions. ClinVar contains an entry for this variant (Variation ID: 1964585). Advanced modeling of protein sequence and biophysical properties (such as structural, functional, and spatial information, amino acid conservation, physicochemical variation, residue mobility, and thermodynamic stability) performed at Invitae indicates that this missense variant is not expected to disrupt PLA2G6 protein function with a negative predictive value of 80%. In summary, the available evidence is currently insufficient to determine the role of this variant in disease. Therefore, it has been classified as a Variant of Uncertain Significance.

NM_003560.4(PLA2G6):c.1205T>C (p.Ile402Thr)

Gene: PLA2G6 (phospholipase A2 group VI; minus strand). Cytogenetic location: 22q13.1.
Variant type: single nucleotide variant.
Coding change: c.1205T>C on transcript NM_003560.4 (MANE Select); coding-DNA position 1205, T replaced by C.
Protein change: p.Ile402Thr; replaces isoleucine 402 with threonine.
Molecular consequence: missense variant. On other transcripts: intron variant (5).
Genome position (GRCh38, 1-based): chr22:38,128,412, A>G on the plus strand (T>C on the coding strand, the complement: PLA2G6 is on the minus strand). VCF-style: chr22-38128412-A-G. GRCh37 (hg19) VCF-style: chr22-38524419-A-G.
Other names: c.1205T>C, p.Ile402Thr (NM_001349864.2); c.671T>C, p.Ile224Thr (NM_001349867.2); c.527T>C, p.Ile176Thr (NM_001349868.2); c.1186+1042T>C (NM_001349866.2, NM_001199562.3, NM_001349865.2 and 1 more transcripts); c.652+1042T>C (NM_001349869.2); short protein forms I402T, I176T, I224T.
Identifiers: ClinVar variation 1964585 (VCV001964585.4), dbSNP rs764199136, ClinGen allele CA10230976.